The following is an entry in ClinVar:

NM_019074.4(DLL4):c.381C>G (p.Asp127Glu)

Gene: DLL4 (delta like canonical Notch ligand 4; plus strand). Cytogenetic location: 15q15.1.
Variant type: single nucleotide variant.
Coding change: c.381C>G on transcript NM_019074.4 (MANE Select); coding-DNA position 381, C replaced by G.
Protein change: p.Asp127Glu; replaces aspartic acid 127 with glutamic acid.
Molecular consequence: missense variant.
Genome position (GRCh38, 1-based): chr15:40,930,669, C>G. VCF-style: chr15-40930669-C-G. GRCh37 (hg19) VCF-style: chr15-41222867-C-G.
Other names: short protein forms D127E.
Identifiers: ClinVar variation 4992554 (VCV004992554.1).

ClinVar aggregate classification (germline): Uncertain significance (1 of 4 stars; one submission).

Conditions:
DLL4-related disorder. Also called: DLL4-related condition.

gnomAD v4.1: 1 of 1,613,824 alleles (0.000062%); highest among the groups gnomAD compares: South Asian, 0.0011%; no homozygotes.

Submission:

PreventionGenetics, part of Exact Sciences
Classification: Uncertain significance for DLL4-related condition. Last evaluated: 2026-06-08. Review status: criteria provided, single submitter. Criteria: ACMG Guidelines, 2015. Collection method: clinical testing. Allele origin: germline.
Comment: The DLL4 c.381C>G variant is predicted to result in the amino acid substitution p.Asp127Glu. To our knowledge, this variant has not been reported in the literature or in a large population database (gnomAD), indicating this variant is rare. At this time, the clinical significance of this variant is uncertain due to the absence of conclusive functional and genetic evidence.